The following is an entry in ClinVar:

NM_205850.3(SLC24A5):c.568_572del (p.Ile189_Ile190insTer)

Genes: MYEF2 (myelin expression factor 2; minus strand), SLC24A5 (solute carrier family 24 member 5; plus strand). Cytogenetic location: 15q21.1.
Variant type: Deletion.
Coding change: c.568_572del on transcript NM_205850.3 (MANE Select); coding-DNA positions 568 to 572, 5 bases deleted (ATATA; older notation c.568_572delATATA).
Protein change: p.Ile189_Ile190insTer.
Molecular consequence: nonsense. On other transcripts: 3 prime UTR variant (2).
Genome position (GRCh38, 1-based): chr15:48,134,962-48,134,966, ATATA deleted; deleting any 5 consecutive bases within chr15:48,134,958-48,134,966 gives the same sequence; the c. name uses the placement nearest the transcript's 3' end. VCF-style (leftmost placement, unchanged base first): chr15-48134957-GTATAA-G. GRCh37 (hg19) VCF-style: chr15-48427154-GTATAA-G.
Other names: c.*7946_*7950del (NM_001301210.2, NM_016132.5).
Identifiers: ClinVar variation 1929456 (VCV001929456.5), dbSNP rs779087076, ClinGen allele CA7545907.

ClinVar aggregate classification (germline): Pathogenic (1 of 4 stars; one submission).

Submission:

Labcorp Genetics (formerly Invitae), Labcorp
Classification: Pathogenic. Last evaluated: 2022-06-05. Review status: criteria provided, single submitter. Criteria: Invitae Variant Classification Sherloc (09022015). Collection method: clinical testing. Allele origin: germline.
Comment: This variant is present in population databases (rs779087076, gnomAD 0.04%). For these reasons, this variant has been classified as Pathogenic. This variant is also known as p. IIe189Ilefs*1. This premature translational stop signal has been observed in individual(s) with oculocutaneous albinism (PMID: 32274888). This sequence change creates a premature translational stop signal (p.Ile190*) in the SLC24A5 gene. It is expected to result in an absent or disrupted protein product. Loss-of-function variants in SLC24A5 are known to be pathogenic (PMID: 23985994, 26686029).

Literature cited by the submitters: PubMed 32274888; PubMed 23985994; PubMed 26686029.